The following is an entry in ClinVar:

ClinVar aggregate classification (germline): Uncertain significance (1 of 4 stars; one submission).

gnomAD v4.1: 12 of 1,612,222 alleles (0.00074%); highest among the groups gnomAD compares: Non-Finnish European, 0.001%; no homozygotes.

Submission:

Labcorp Genetics (formerly Invitae), Labcorp
Classification: Uncertain significance. Last evaluated: 2025-03-27. Review status: criteria provided, single submitter. Criteria: Invitae Variant Classification Sherloc (09022015). Collection method: clinical testing. Allele origin: germline.
Comment: This sequence change replaces glutamic acid, which is acidic and polar, with lysine, which is basic and polar, at codon 152 of the STUB1 protein (p.Glu152Lys). This variant is not present in population databases (gnomAD no frequency). This variant has not been reported in the literature in individuals affected with STUB1-related conditions. Invitae Evidence Modeling of protein sequence and biophysical properties (such as structural, functional, and spatial information, amino acid conservation, physicochemical variation, residue mobility, and thermodynamic stability) indicates that this missense variant is not expected to disrupt STUB1 protein function with a negative predictive value of 80%. In summary, the available evidence is currently insufficient to determine the role of this variant in disease. Therefore, it has been classified as a Variant of Uncertain Significance.

NM_005861.4(STUB1):c.454G>A (p.Glu152Lys)

Gene: STUB1 (STIP1 homology and U-box containing protein 1; plus strand). Cytogenetic location: 16p13.3.
Variant type: single nucleotide variant.
Coding change: c.454G>A on transcript NM_005861.4 (MANE Select); coding-DNA position 454, G replaced by A.
Protein change: p.Glu152Lys; replaces glutamic acid 152 with lysine.
Molecular consequence: missense variant.
Genome position (GRCh38, 1-based): chr16:681,533, G>A. VCF-style: chr16-681533-G-A. GRCh37 (hg19) VCF-style: chr16-731533-G-A.
Other names: c.238G>A, p.Glu80Lys (NM_001293197.2); short protein forms E152K, E80K.
Identifiers: ClinVar variation 4807714 (VCV004807714.1).